The following is an entry in ClinVar:

ClinVar aggregate classification (germline): Uncertain significance (1 of 4 stars; one submission).

Conditions:
CRB2-related disorder. Also called: CRB2-related condition; CRB2-related disorders.

Submission:

PreventionGenetics, part of Exact Sciences
Classification: Uncertain significance for CRB2-related condition. Last evaluated: 2026-07-23. Review status: criteria provided, single submitter. Criteria: ACMG Guidelines, 2015. Collection method: clinical testing. Allele origin: germline.
Comment: The CRB2 c.3215G>C variant is predicted to result in the amino acid substitution p.Arg1072Pro. To our knowledge, this variant has not been reported in the literature or in a large population database (gnomAD), indicating this variant is rare. At this time, the clinical significance of this variant is uncertain due to the absence of conclusive functional and genetic evidence.

NM_173689.7(CRB2):c.3215G>C (p.Arg1072Pro)

Gene: CRB2 (crumbs cell polarity complex component 2; plus strand). Cytogenetic location: 9q33.3.
Variant type: single nucleotide variant.
Coding change: c.3215G>C on transcript NM_173689.7 (MANE Select); coding-DNA position 3215, G replaced by C.
Protein change: p.Arg1072Pro; replaces arginine 1072 with proline.
Molecular consequence: missense variant. On other transcripts: non-coding transcript variant (1).
Genome position (GRCh38, 1-based): chr9:123,373,746, G>C. VCF-style: chr9-123373746-G-C. GRCh37 (hg19) VCF-style: chr9-126136025-G-C.
Other names: short protein forms R1072P.
Identifiers: ClinVar variation 4993311 (VCV004993311.1).